The following is an entry in ClinVar:

NM_133478.3(SLC4A5):c.2790C>T (p.Thr930=)

Gene: SLC4A5 (solute carrier family 4 member 5; minus strand). Cytogenetic location: 2p13.1.
Variant type: single nucleotide variant.
Coding change: c.2790C>T on transcript NM_133478.3 (MANE Select); coding-DNA position 2790, C replaced by T.
Protein change: p.Thr930=; no amino-acid change (threonine 930 retained).
Molecular consequence: synonymous variant.
Genome position (GRCh38, 1-based): chr2:74,231,293, G>A on the plus strand (C>T on the coding strand, the complement: SLC4A5 is on the minus strand). VCF-style: chr2-74231293-G-A. GRCh37 (hg19) VCF-style: chr2-74458420-G-A.
Other names: c.2790C>T, p.Thr930= (NM_021196.3).
Identifiers: ClinVar variation 780352 (VCV000780352.6), dbSNP rs114300772, ClinGen allele CA1720348.
Genomic context (GRCh38, chr2:74,231,293, plus strand): 5'-CACCTTTAGGATGGGAGCCAGGAAGACAGAGATTCCCGTCAGGATGAAGACGATGATGCC[G>A]GTTACTCTCTGTTCCCTGGCAGAGAAGAACACATGGTCAGGGTGTACCAGGAAATGCCTG-3'
Protein context (NP_597812.1, residues 920-940): QFLGVREQRV[Thr930=]GIIVFILTGI

ClinVar aggregate classification (germline): Benign. Review status: criteria provided, multiple submitters, no conflicts (2 of 4 stars). 3 submissions from 3 submitters: Benign (2). 1 of the submissions does not count toward it. Last evaluated 2018-08-16.

Conditions:
SLC4A5-related disorder. Also called: SLC4A5-related condition.

Allele frequency attached by ClinVar (database versions not stated): gnomAD 0.00780 and 0.00844; 1000 Genomes Project 30x 0.00671; gnomAD exomes 0.00071 and 0.00194; 1000 Genomes Project 0.00679; ESP Exome Variant Server 0.00769; ExAC 0.00214; TOPMed 0.00879.
gnomAD v4.1: 2,266 of 1,611,622 alleles (0.14%); highest among the groups gnomAD compares: African/African-American, 2.6%; 34 homozygotes.

Submissions (3):

Labcorp Genetics (formerly Invitae), Labcorp
Classification: Benign. Last evaluated: 2018-08-16. Review status: criteria provided, single submitter. Criteria: Invitae Variant Classification Sherloc (09022015). Collection method: clinical testing. Allele origin: germline.

Breakthrough Genomics
Classification: Benign. Review status: criteria provided, single submitter. Criteria: ACMG Guidelines, 2015. Collection method: not provided. Allele origin: germline. Inheritance: Unknown mechanism. Affected: yes.

PreventionGenetics, part of Exact Sciences
Classification: Benign for SLC4A5-related condition. Last evaluated: 2019-08-07. Review status: no assertion criteria provided. Collection method: clinical testing. Allele origin: germline. Not counted in ClinVar's aggregate classification.
Comment: This variant is classified as benign based on ACMG/AMP sequence variant interpretation guidelines (Richards et al. 2015 PMID: 25741868, with internal and published modifications).